The following is an entry in ClinVar:

ClinVar aggregate classification (germline): Uncertain significance (1 of 4 stars; one submission).

Allele frequency attached by ClinVar (database versions not stated): ExAC 0.00003; gnomAD exomes 0.00003; TOPMed 0.00003; gnomAD 0.00004.
gnomAD v4.1: 45 of 1,610,006 alleles (0.0028%); highest among the groups gnomAD compares: Non-Finnish European, 0.0032%; no homozygotes.

Submission:

Labcorp Genetics (formerly Invitae), Labcorp
Classification: Uncertain significance. Last evaluated: 2022-08-26. Review status: criteria provided, single submitter. Criteria: Invitae Variant Classification Sherloc (09022015). Collection method: clinical testing. Allele origin: germline.
Comment: In summary, the available evidence is currently insufficient to determine the role of this variant in disease. Therefore, it has been classified as a Variant of Uncertain Significance. Variants that disrupt the consensus splice site are a relatively common cause of aberrant splicing (PMID: 17576681, 9536098). Algorithms developed to predict the effect of sequence changes on RNA splicing suggest that this variant is not likely to affect RNA splicing. This variant has not been reported in the literature in individuals affected with DLC1-related conditions. This variant is present in population databases (rs753514367, gnomAD 0.004%). This sequence change falls in intron 12 of the DLC1 gene. It does not directly change the encoded amino acid sequence of the DLC1 protein. It affects a nucleotide within the consensus splice site.

Literature cited by the submitters: PubMed 17576681; PubMed 9536098.

NM_182643.3(DLC1):c.3527-3C>T

Gene: DLC1 (DLC1 Rho GTPase activating protein; minus strand). Cytogenetic location: 8p22.
Variant type: single nucleotide variant.
Coding change: c.3527-3C>T on transcript NM_182643.3 (MANE Select); 3 bases into the intron before coding-DNA position 3527, C replaced by T.
Molecular consequence: intron variant.
Genome position (GRCh38, 1-based): chr8:13,092,828, G>A on the plus strand (C>T on the coding strand, the complement: DLC1 is on the minus strand). VCF-style: chr8-13092828-G-A. GRCh37 (hg19) VCF-style: chr8-12950337-G-A.
Other names: c.1994-3C>T (NM_001348082.2, NM_001348084.2, NM_001164271.2 and 1 more transcripts); c.3527-3C>T (NM_001348081.2); c.2318-3C>T (NM_001316668.2); c.2216-3C>T (NM_006094.5).
Identifiers: ClinVar variation 2169282 (VCV002169282.4), dbSNP rs753514367, ClinGen allele CA4638275.